The following is an entry in ClinVar:

NM_174916.3(UBR1):c.1282-4G>A

Gene: UBR1 (ubiquitin protein ligase E3 component n-recognin 1; minus strand). Cytogenetic location: 15q15.2.
Variant type: single nucleotide variant.
Coding change: c.1282-4G>A on transcript NM_174916.3 (MANE Select); 4 bases into the intron before coding-DNA position 1282, G replaced by A.
Molecular consequence: intron variant.
Genome position (GRCh38, 1-based): chr15:43,054,903, C>T on the plus strand (G>A on the coding strand, the complement: UBR1 is on the minus strand). VCF-style: chr15-43054903-C-T. GRCh37 (hg19) VCF-style: chr15-43347101-C-T.
Identifiers: ClinVar variation 741488 (VCV000741488.8), dbSNP rs370354214, ClinGen allele CA7518763.

ClinVar aggregate classification (germline): Likely benign. Review status: criteria provided, multiple submitters, no conflicts (2 of 4 stars). 2 submissions from 2 submitters: Likely benign (2). Last evaluated 2026-07-13.

Conditions:
UBR1-related disorder. Also called: UBR1-related condition.

Allele frequency attached by ClinVar (database versions not stated): gnomAD 0.00006 and 0.00007; TOPMed 0.00008; gnomAD exomes 0.00011 and 0.00015; ExAC 0.00022; ESP Exome Variant Server 0.00023.
gnomAD v4.1: 161 of 1,613,712 alleles (0.01%); highest among the groups gnomAD compares: Middle Eastern, 0.016%; no homozygotes.

Submissions (2):

PreventionGenetics, part of Exact Sciences
Classification: Likely benign for UBR1-related condition. Last evaluated: 2026-07-13. Review status: criteria provided, single submitter. Criteria: ACMG Guidelines, 2015. Collection method: clinical testing. Allele origin: germline.
Comment: This variant is classified as likely benign based on ACMG/AMP sequence variant interpretation guidelines (Richards et al. 2015 PMID: 25741868, with internal and published modifications).

Labcorp Genetics (formerly Invitae), Labcorp
Classification: Likely benign. Last evaluated: 2026-01-12. Review status: criteria provided, single submitter. Criteria: Invitae Variant Classification Sherloc (09022015). Collection method: clinical testing. Allele origin: germline.